The following is an entry in ClinVar:

NM_000540.3(RYR1):c.11689+218T>C

Gene: RYR1 (ryanodine receptor 1; plus strand). Cytogenetic location: 19q13.2.
Variant type: single nucleotide variant.
Coding change: c.11689+218T>C on transcript NM_000540.3 (MANE Select); 218 bases into the intron after coding-DNA position 11689, T replaced by C.
Molecular consequence: intron variant.
Genome position (GRCh38, 1-based): chr19:38,538,178, T>C. VCF-style: chr19-38538178-T-C. GRCh37 (hg19) VCF-style: chr19-39028818-T-C.
Other names: c.11674+218T>C (NM_001042723.2).
Identifiers: ClinVar variation 678431 (VCV000678431.1), dbSNP rs2960312, ClinGen allele CA308087663.

ClinVar aggregate classification (germline): Benign (1 of 4 stars; one submission).

Allele frequency attached by ClinVar (database versions not stated): gnomAD 0.04011 and 0.04272; TOPMed 0.04415; 1000 Genomes Project 0.04453; 1000 Genomes Project 30x 0.04606.
gnomAD v4.1: 6,029 of 152,116 alleles (4%); highest among the groups gnomAD compares: African/African-American, 14%; 401 homozygotes.

Submission:

GeneDx
Classification: Benign. Last evaluated: 2018-06-19. Review status: criteria provided, single submitter. Criteria: GeneDx Variant Classification (06012015). Collection method: clinical testing. Allele origin: germline. Affected: yes.
Comment: This variant is considered likely benign or benign based on one or more of the following criteria: it is a conservative change, it occurs at a poorly conserved position in the protein, it is predicted to be benign by multiple in silico algorithms, and/or has population frequency not consistent with disease.